The following is an entry in ClinVar:

NM_022124.6(CDH23):c.8770_8771insTGGCTGTA (p.Ser2924fs)

Gene: CDH23 (cadherin related 23; plus strand). Cytogenetic location: 10q22.1.
Variant type: Insertion.
Coding change: c.8770_8771insTGGCTGTA on transcript NM_022124.6 (MANE Select); coding-DNA positions 8770 to 8771, TGGCTGTA inserted.
Protein change: p.Ser2924fs; shifts the reading frame from serine 2924.
Molecular consequence: frameshift variant.
Genome position: GRCh38 VCF-style: chr10-71809866-C-CATGGCTGT. GRCh37 (hg19) VCF-style: chr10-73569623-C-CATGGCTGT.
Other names: c.2050_2051insTGGCTGTA, p.Ser684fs (NM_001171933.1, NM_001171934.1); short protein forms S2924fs, S684fs.
Identifiers: ClinVar variation 421302 (VCV000421302.2), dbSNP rs1064795044, ClinGen allele CA16618984.
Genomic context (GRCh38, chr10:71,809,866, plus strand): 5'-TGGGCTTCCTGCAGGGAGCATGGACGGCATTCTGCGCACCTTCGACCTCTTCATGGCCTA[C>CATGGCTGT]AGCCCCGGCTACTTCGTGGTGGACATTGTGGCCCGAGACCTGGCAGGCCACAACGACACG-3'

ClinVar aggregate classification (germline): Pathogenic (1 of 4 stars; one submission).

Submission:

GeneDx
Classification: Pathogenic. Last evaluated: 2016-05-31. Review status: criteria provided, single submitter. Criteria: GeneDx Variant Classification (06012015). Collection method: clinical testing. Allele origin: germline. Affected: yes.
Comment: The c.8770_8771insTGGCTGTA pathogenic variant in the CDH23 gene causes a frameshift starting with codon Serine 2924, changes this amino acid to a Methionine residue and creates a premature Stop codon at position 31 of the new reading frame, denoted p.Ser2924MetfsX31. This pathogenic variant is predicted to cause loss of normal protein function either through protein truncation or nonsense-mediated mRNA decay. The variant was not observed in approximately 6,300 individuals of European and African American ancestry in the NHLBI Exome Sequencing Project, indicating it is not a common benign variant in these populations. Although this variant has not been previously reported to our knowledge, we consider this variant to be pathogenic.